The following is an entry in ClinVar:

NM_001040108.2(MLH3):c.476G>A (p.Arg159Lys)

Gene: MLH3 (mutL homolog 3; minus strand). Cytogenetic location: 14q24.3.
Variant type: single nucleotide variant.
Coding change: c.476G>A on transcript NM_001040108.2 (MANE Select); coding-DNA position 476, G replaced by A.
Protein change: p.Arg159Lys; replaces arginine 159 with lysine.
Molecular consequence: missense variant.
Genome position (GRCh38, 1-based): chr14:75,049,180, C>T on the plus strand (G>A on the coding strand, the complement: MLH3 is on the minus strand). VCF-style: chr14-75049180-C-T. GRCh37 (hg19) VCF-style: chr14-75515883-C-T.
Other names: c.476G>A, p.Arg159Lys (NM_014381.3); short protein forms R159K.
Identifiers: ClinVar variation 947232 (VCV000947232.12), dbSNP rs1892489444, ClinGen allele CA390450105.
Genomic context (GRCh38, chr14:75,049,180, plus strand): 5'-GAGAGAGCTTCTATTCTCTGCCTAACCTTCTCAAACTCCAGTCTAGGGTCCATGCATTTC[C>T]TCCTTACAGGAAGCTGGTAAAATAGGTTATACACTGTTACAGTAGTCCCAGCGCTTGCTC-3'
Protein context (NP_001035197.1, residues 149-169): YNLFYQLPVR[Arg159Lys]KCMDPRLEFE

ClinVar aggregate classification (germline): Uncertain significance. Review status: criteria provided, multiple submitters, no conflicts (2 of 4 stars). 2 submissions from 2 submitters: Uncertain significance (2). Last evaluated 2025-06-30.

Conditions:
Colorectal cancer, hereditary nonpolyposis, type 7. Identifiers: Orphanet 144, MedGen C1858380, MONDO:0013725, OMIM 614385.

Allele frequency attached by ClinVar (database versions not stated): gnomAD exomes below 0.00001.
gnomAD v4.1: 2 of 1,614,220 alleles (0.00012%); highest among the groups gnomAD compares: East Asian, 0.0045%; no homozygotes.

Submissions (2):

Ambry Genetics
Classification: Uncertain significance. Last evaluated: 2025-06-30. Review status: criteria provided, single submitter. Criteria: Ambry Variant Classification Scheme 2023. Collection method: clinical testing. Allele origin: germline.
Comment: The p.R159K variant (also known as c.476G>A), located in coding exon 1 of the MLH3 gene, results from a G to A substitution at nucleotide position 476. The arginine at codon 159 is replaced by lysine, an amino acid with highly similar properties. This amino acid position is conserved. In addition, the in silico prediction for this alteration is inconclusive. Since supporting evidence is limited at this time, the clinical significance of this alteration remains unclear.

Labcorp Genetics (formerly Invitae), Labcorp
Classification: Uncertain significance for Colorectal cancer, hereditary nonpolyposis, type 7. Last evaluated: 2022-07-30. Review status: criteria provided, single submitter. Criteria: Invitae Variant Classification Sherloc (09022015). Collection method: clinical testing. Allele origin: germline.
Comment: In summary, the available evidence is currently insufficient to determine the role of this variant in disease. Therefore, it has been classified as a Variant of Uncertain Significance. Algorithms developed to predict the effect of missense changes on protein structure and function are either unavailable or do not agree on the potential impact of this missense change (SIFT: "Deleterious"; PolyPhen-2: "Benign"; Align-GVGD: "Class C0"). ClinVar contains an entry for this variant (Variation ID: 947232). This variant has not been reported in the literature in individuals affected with MLH3-related conditions. This variant is not present in population databases (gnomAD no frequency). This sequence change replaces arginine, which is basic and polar, with lysine, which is basic and polar, at codon 159 of the MLH3 protein (p.Arg159Lys).